The following is an entry in ClinVar:

ClinVar aggregate classification (germline): Uncertain significance (1 of 4 stars; one submission).

Submission:

GeneDx
Classification: Uncertain significance. Last evaluated: 2025-05-27. Review status: criteria provided, single submitter. Criteria: GeneDx Variant Classification Process June 2021. Collection method: clinical testing. Allele origin: germline. Affected: yes.
Comment: Not observed at significant frequency in large population cohorts (gnomAD); In silico analysis suggests that this missense variant does not alter protein structure/function; Has not been previously published as pathogenic or benign to our knowledge

NM_194454.3(KRIT1):c.925A>G (p.Ser309Gly)

Gene: KRIT1 (KRIT1 ankyrin repeat containing; minus strand). Cytogenetic location: 7q21.2.
Variant type: single nucleotide variant.
Coding change: c.925A>G on transcript NM_194454.3 (MANE Select); coding-DNA position 925, A replaced by G.
Protein change: p.Ser309Gly; replaces serine 309 with glycine.
Molecular consequence: missense variant. On other transcripts: intron variant (3).
Genome position (GRCh38, 1-based): chr7:92,234,513, T>C on the plus strand (A>G on the coding strand, the complement: KRIT1 is on the minus strand). VCF-style: chr7-92234513-T-C. GRCh37 (hg19) VCF-style: chr7-91863827-T-C.
Other names: c.211A>G, p.Ser71Gly (NM_001350671.1); c.925A>G, p.Ser309Gly (NM_001350672.1, NM_001350673.1, NM_001350674.1 and 26 more transcripts); c.845+295A>G (NM_001350669.1, NM_001013406.2, NM_001350670.1); short protein forms S309G, S71G.
Identifiers: ClinVar variation 4532651 (VCV004532651.1).